The following is an entry in ClinVar:

NM_000717.5(CA4):c.405T>A (p.Phe135Leu)

Gene: CA4 (carbonic anhydrase 4; plus strand). Cytogenetic location: 17q23.1.
Variant type: single nucleotide variant.
Coding change: c.405T>A on transcript NM_000717.5 (MANE Select); coding-DNA position 405, T replaced by A.
Protein change: p.Phe135Leu; replaces phenylalanine 135 with leucine.
Molecular consequence: missense variant. On other transcripts: non-coding transcript variant (1).
Genome position (GRCh38, 1-based): chr17:60,157,563, T>A. VCF-style: chr17-60157563-T-A. GRCh37 (hg19) VCF-style: chr17-58234924-T-A.
Other names: short protein forms F135L.
Identifiers: ClinVar variation 1382954 (VCV001382954.6), dbSNP rs1233100170, ClinGen allele CA400455476.

ClinVar aggregate classification (germline): Uncertain significance (1 of 4 stars; one submission).

Allele frequency attached by ClinVar (database versions not stated): gnomAD exomes below 0.00001.
gnomAD v4.1: 1 of 1,614,204 alleles (0.000062%); highest among the groups gnomAD compares: East Asian, 0.0022%; no homozygotes.

Submission:

Labcorp Genetics (formerly Invitae), Labcorp
Classification: Uncertain significance. Last evaluated: 2025-03-12. Review status: criteria provided, single submitter. Criteria: Invitae Variant Classification Sherloc (09022015). Collection method: clinical testing. Allele origin: germline.
Comment: This sequence change replaces phenylalanine, which is neutral and non-polar, with leucine, which is neutral and non-polar, at codon 135 of the CA4 protein (p.Phe135Leu). This variant is not present in population databases (gnomAD no frequency). This variant has not been reported in the literature in individuals affected with CA4-related conditions. ClinVar contains an entry for this variant (Variation ID: 1382954). Invitae Evidence Modeling of protein sequence and biophysical properties (such as structural, functional, and spatial information, amino acid conservation, physicochemical variation, residue mobility, and thermodynamic stability) indicates that this missense variant is not expected to disrupt CA4 protein function with a negative predictive value of 80%. In summary, the available evidence is currently insufficient to determine the role of this variant in disease. Therefore, it has been classified as a Variant of Uncertain Significance.